The following is an entry in ClinVar:

ClinVar aggregate classification (germline): Uncertain significance (1 of 4 stars; one submission).

Allele frequency attached by ClinVar (database versions not stated): gnomAD 0.00004; TOPMed 0.00004.
gnomAD v4.1: 80 of 1,531,842 alleles (0.0052%); highest among the groups gnomAD compares: Non-Finnish European, 0.0069%; no homozygotes.

Submission:

CeGaT Center for Human Genetics Tuebingen
Classification: Uncertain significance. Last evaluated: 2024-03-01. Review status: criteria provided, single submitter. Criteria: CeGaT Center For Human Genetics Tuebingen Variant Classification Criteria Version 2. Collection method: clinical testing. Allele origin: germline. Affected: yes. Observed: 1 variant allele.
Comment: SETD1B: PP2

NM_001353345.2(SETD1B):c.3011A>G (p.Asp1004Gly)

Gene: SETD1B (SET domain containing 1B, histone lysine methyltransferase; plus strand). Cytogenetic location: 12q24.31.
Variant type: single nucleotide variant.
Coding change: c.3011A>G on transcript NM_001353345.2 (MANE Select); coding-DNA position 3011, A replaced by G.
Protein change: p.Asp1004Gly; replaces aspartic acid 1004 with glycine.
Molecular consequence: missense variant.
Genome position (GRCh38, 1-based): chr12:121,817,403, A>G. VCF-style: chr12-121817403-A-G. GRCh37 (hg19) VCF-style: chr12-122255309-A-G.
Other names: short protein forms D1004G.
Identifiers: ClinVar variation 3067378 (VCV003067378.21), dbSNP rs1039432987, ClinGen allele CA244643969.